The following is an entry in ClinVar:

NM_020631.6(PLEKHG5):c.2236G>A (p.Asp746Asn)

Gene: PLEKHG5 (pleckstrin homology and RhoGEF domain containing G5; minus strand). Cytogenetic location: 1p36.31.
Variant type: single nucleotide variant.
Coding change: c.2236G>A on transcript NM_020631.6 (MANE Select); coding-DNA position 2236, G replaced by A.
Protein change: p.Asp746Asn; replaces aspartic acid 746 with asparagine.
Molecular consequence: missense variant.
Genome position (GRCh38, 1-based): chr1:6,469,055, C>T on the plus strand (G>A on the coding strand, the complement: PLEKHG5 is on the minus strand). VCF-style: chr1-6469055-C-T. GRCh37 (hg19) VCF-style: chr1-6529115-C-T.
Other names: c.2347G>A, p.Asp783Asn (NM_001042663.3, NM_001265592.2); c.2236G>A, p.Asp746Asn (NM_001042664.2, NM_001042665.2, NM_001265594.3 and 1 more transcripts); c.2443G>A, p.Asp815Asn (NM_001265593.2); short protein forms D746N, D783N, D815N.
Identifiers: ClinVar variation 2153275 (VCV002153275.1), dbSNP rs768108924, ClinGen allele CA561212.

ClinVar aggregate classification (germline): Uncertain significance (1 of 4 stars; one submission).

Conditions:
Charcot-Marie-Tooth disease recessive intermediate C. Also called: CHARCOT-MARIE-TOOTH NEUROPATHY, RECESSIVE INTERMEDIATE C. Identifiers: Orphanet 369867, MedGen C3809309, MONDO:0014154, OMIM 615376.
Neuronopathy, distal hereditary motor, autosomal recessive 4. Also called: NEUROPATHY, DISTAL HEREDITARY MOTOR, AUTOSOMAL RECESSIVE 4; Autosomal recessive lower motor neuron disease with childhood onset. Identifiers: Orphanet 206580, MedGen C1970211, MONDO:0012608, OMIM 611067.

Allele frequency attached by ClinVar (database versions not stated): gnomAD exomes below 0.00001; ExAC 0.00002.
gnomAD v4.1: 7 of 1,613,376 alleles (0.00043%); highest among the groups gnomAD compares: East Asian, 0.0089%; no homozygotes.

Submission:

Labcorp Genetics (formerly Invitae), Labcorp
Classification: Uncertain significance for Neuronopathy, distal hereditary motor, autosomal recessive 4; Charcot-Marie-Tooth disease recessive intermediate C. Last evaluated: 2022-07-25. Review status: criteria provided, single submitter. Criteria: Invitae Variant Classification Sherloc (09022015). Collection method: clinical testing. Allele origin: germline.
Comment: This sequence change replaces aspartic acid, which is acidic and polar, with asparagine, which is neutral and polar, at codon 746 of the PLEKHG5 protein (p.Asp746Asn). This variant is present in population databases (rs768108924, gnomAD 0.02%). This variant has not been reported in the literature in individuals affected with PLEKHG5-related conditions. Algorithms developed to predict the effect of missense changes on protein structure and function output the following: SIFT: "Tolerated"; PolyPhen-2: "Benign"; Align-GVGD: "Class C0". The asparagine amino acid residue is found in multiple mammalian species, which suggests that this missense change does not adversely affect protein function. In summary, the available evidence is currently insufficient to determine the role of this variant in disease. Therefore, it has been classified as a Variant of Uncertain Significance.